The following is an entry in ClinVar:

ClinVar aggregate classification (germline): Uncertain significance (1 of 4 stars; one submission).

Conditions:
PURA-related severe neonatal hypotonia-seizures-encephalopathy syndrome (NEDRIHF). Also called: PURA-Related Neurodevelopmental Disorders; NEURODEVELOPMENTAL DISORDER WITH NEONATAL RESPIRATORY INSUFFICIENCY, HYPOTONIA, AND FEEDING DIFFICULTIES. Identifiers: Orphanet 438213, Orphanet 438216, MedGen C4015357, MONDO:1060108, OMIM 616158, MONDO:0018580.

Submission:

Labcorp Genetics (formerly Invitae), Labcorp
Classification: Uncertain significance for PURA-related severe neonatal hypotonia-seizures-encephalopathy syndrome. Last evaluated: 2022-09-25. Review status: criteria provided, single submitter. Criteria: Invitae Variant Classification Sherloc (09022015). Collection method: clinical testing. Allele origin: germline.
Comment: In summary, the available evidence is currently insufficient to determine the role of this variant in disease. Therefore, it has been classified as a Variant of Uncertain Significance. This variant has not been reported in the literature in individuals affected with PURA-related conditions. This variant is not present in population databases (gnomAD no frequency). This sequence change affects codon 142 of the PURA mRNA. It is a 'silent' change, meaning that it does not change the encoded amino acid sequence of the PURA protein.

NM_005859.5(PURA):c.426G>C (p.Ala142=)

Genes: PURA (purine rich element binding protein A; plus strand), LOC129994826 (ATAC-STARR-seq lymphoblastoid active region 23260; plus strand). Cytogenetic location: 5q31.3.
Variant type: single nucleotide variant.
Coding change: c.426G>C on transcript NM_005859.5 (MANE Select); coding-DNA position 426, G replaced by C.
Protein change: p.Ala142=; no amino-acid change (alanine 142 retained).
Molecular consequence: synonymous variant.
Genome position (GRCh38, 1-based): chr5:140,114,607, G>C. VCF-style: chr5-140114607-G-C. GRCh37 (hg19) VCF-style: chr5-139494192-G-C.
Identifiers: ClinVar variation 2032601 (VCV002032601.4), dbSNP rs1581036389, ClinGen allele CA446831240.